The following is an entry in ClinVar:

ClinVar aggregate classification (germline): Uncertain significance. Review status: criteria provided, multiple submitters, no conflicts (2 of 4 stars). 2 submissions from 2 submitters: Uncertain significance (2). Last evaluated 2025-06-16.

Conditions:
GNAS-related disorder. Identifiers: MedGen CN380105.

gnomAD v4.1: 2 of 1,613,344 alleles (0.00012%); highest among the groups gnomAD compares: African/African-American, 0.0013%; no homozygotes.

Submissions (2):

PreventionGenetics, part of Exact Sciences
Classification: Uncertain significance for GNAS-related condition. Last evaluated: 2025-06-16. Review status: criteria provided, single submitter. Criteria: ACMG Guidelines, 2015. Collection method: clinical testing. Allele origin: germline.
Comment: The GNAS c.259G>A variant is predicted to result in the amino acid substitution p.Glu87Lys. This variant is pre-coding in the main transcript NM_000516:c.-51362G>A. To our knowledge, this variant has not been reported in the literature or in a large population database (gnomAD), indicating this variant is rare. At this time, the clinical significance of this variant is uncertain due to the absence of conclusive functional and genetic evidence.

Blueprint Genetics
Classification: Uncertain significance. Last evaluated: 2024-10-22. Review status: criteria provided, single submitter. Criteria: ACMG Guidelines, 2015. Collection method: clinical testing. Allele origin: germline.

NM_016592.5(GNAS):c.259G>A (p.Glu87Lys)

Genes: GNAS (GNAS complex locus; plus strand), GNAS-AS1 (GNAS antisense RNA 1; minus strand). Cytogenetic location: 20q13.32.
Variant type: single nucleotide variant.
Coding change: c.259G>A on transcript NM_016592.5 (MANE Plus Clinical); coding-DNA position 259, G replaced by A.
Protein change: p.Glu87Lys; replaces glutamic acid 87 with lysine.
Molecular consequence: missense variant. On other transcripts: 5 prime UTR variant (1).
Genome position (GRCh38, 1-based): chr20:58,840,365, G>A. VCF-style: chr20-58840365-G-A. GRCh37 (hg19) VCF-style: chr20-57415420-G-A.
Other names: c.-479G>A (NM_001410912.1); short protein forms E87K.
Identifiers: ClinVar variation 4945442 (VCV004945442.2).